The following is an entry in ClinVar:

NM_018062.4(FANCL):c.42G>C (p.Leu14=)

Gene: FANCL (FA complementation group L; minus strand). Cytogenetic location: 2p16.1.
Variant type: single nucleotide variant.
Coding change: c.42G>C on transcript NM_018062.4 (MANE Select); coding-DNA position 42, G replaced by C.
Protein change: p.Leu14=; no amino-acid change (leucine 14 retained).
Molecular consequence: synonymous variant.
Genome position (GRCh38, 1-based): chr2:58,241,272, C>G on the plus strand (G>C on the coding strand, the complement: FANCL is on the minus strand). VCF-style: chr2-58241272-C-G. GRCh37 (hg19) VCF-style: chr2-58468407-C-G.
Other names: c.42G>C, p.Leu14= (NM_001114636.2, NM_001374615.1, NM_001410792.1).
Identifiers: ClinVar variation 2650957 (VCV002650957.24), dbSNP rs2467656643, ClinGen allele CA426264423.

ClinVar aggregate classification (germline): Likely benign (1 of 4 stars; one submission).

Submission:

CeGaT Center for Human Genetics Tuebingen
Classification: Likely benign. Last evaluated: 2022-07-01. Review status: criteria provided, single submitter. Criteria: CeGaT Center For Human Genetics Tuebingen Variant Classification Criteria Version 2. Collection method: clinical testing. Allele origin: germline. Affected: yes. Observed: 1 variant allele.
Comment: FANCL: PM2:Supporting, BP4, BP7